The following is an entry in ClinVar:

NM_152743.4(BRAT1):c.2071G>A (p.Ala691Thr)

Gene: BRAT1 (BRCA1 associated ATM activator 1; minus strand). Cytogenetic location: 7p22.3.
Variant type: single nucleotide variant.
Coding change: c.2071G>A on transcript NM_152743.4 (MANE Select); coding-DNA position 2071, G replaced by A.
Protein change: p.Ala691Thr; replaces alanine 691 with threonine.
Molecular consequence: missense variant. On other transcripts: non-coding transcript variant (1).
Genome position (GRCh38, 1-based): chr7:2,538,464, C>T on the plus strand (G>A on the coding strand, the complement: BRAT1 is on the minus strand). VCF-style: chr7-2538464-C-T. GRCh37 (hg19) VCF-style: chr7-2578098-C-T.
Other names: c.2251G>A, p.Ala751Thr (NM_001350626.2); c.1546G>A, p.Ala516Thr (NM_001350627.2); short protein forms A691T, A751T, A516T.
Identifiers: ClinVar variation 664247 (VCV000664247.8), dbSNP rs777809724, ClinGen allele CA4127470.
Genomic context (GRCh38, chr7:2,538,464, plus strand): 5'-AGTCAAACAAGGCACAAAAGGCGAAGTCAAAGAGCCCCACGTGGCAGAGAGCCCTCAGTG[C>T]CTCGGTGAGTGGCTGGGCTGGGGCCACCTCGGGTAGGGCCACGGCATAGGGGCAGTGGGT-3'
Protein context (NP_689956.2, residues 681-701): EVAPAQPLTE[Ala691Thr]LRALCHVGLF

ClinVar aggregate classification (germline): Conflicting classifications of pathogenicity. Review status: criteria provided, conflicting classifications (1 of 4 stars). 3 submissions from 3 submitters: Uncertain significance (2); Likely benign (1). Last evaluated 2026-03-31.

Conditions:
Inborn genetic diseases. Identifiers: MedGen C0950123, MeSH D030342.
Neonatal-onset encephalopathy with rigidity and seizures. Also called: Lethal neonatal spasticity-epileptic encephalopathy syndrome. Identifiers: Orphanet 435845, MedGen C3281029, MONDO:0013784, OMIM 614498.

Allele frequency attached by ClinVar (database versions not stated): gnomAD 0.00004 and 0.00005; gnomAD exomes 0.00003 and 0.00001; TOPMed 0.00003; ExAC 0.00004.
gnomAD v4.1: 28 of 1,612,666 alleles (0.0017%); highest among the groups gnomAD compares: Admixed American, 0.02%; no homozygotes.

Submissions (3):

Ambry Genetics
Classification: Likely benign for Inborn genetic diseases. Last evaluated: 2026-03-31. Review status: criteria provided, single submitter. Criteria: Ambry Variant Classification Scheme 2023. Collection method: clinical testing. Allele origin: germline.

GeneDx
Classification: Uncertain significance. Last evaluated: 2024-12-21. Review status: criteria provided, single submitter. Criteria: GeneDx Variant Classification Process June 2021. Collection method: clinical testing. Allele origin: germline. Affected: yes.
Comment: Not observed at significant frequency in large population cohorts (gnomAD); In silico analysis indicates that this missense variant does not alter protein structure/function; Has not been previously published as pathogenic or benign to our knowledge

Labcorp Genetics (formerly Invitae), Labcorp
Classification: Uncertain significance for Neonatal-onset encephalopathy with rigidity and seizures. Last evaluated: 2024-01-22. Review status: criteria provided, single submitter. Criteria: Invitae Variant Classification Sherloc (09022015). Collection method: clinical testing. Allele origin: germline.
Comment: This sequence change replaces alanine, which is neutral and non-polar, with threonine, which is neutral and polar, at codon 691 of the BRAT1 protein (p.Ala691Thr). This variant is present in population databases (rs777809724, gnomAD 0.01%). This variant has not been reported in the literature in individuals affected with BRAT1-related conditions. ClinVar contains an entry for this variant (Variation ID: 664247). Advanced modeling of protein sequence and biophysical properties (such as structural, functional, and spatial information, amino acid conservation, physicochemical variation, residue mobility, and thermodynamic stability) performed at Invitae indicates that this missense variant is not expected to disrupt BRAT1 protein function with a negative predictive value of 80%. In summary, the available evidence is currently insufficient to determine the role of this variant in disease. Therefore, it has been classified as a Variant of Uncertain Significance.